The following is an entry in ClinVar:

NM_001042413.2(GLIS3):c.2077G>A (p.Ala693Thr)

Genes: GLIS3 (GLIS family zinc finger 3; minus strand), GLIS3-AS1 (GLIS3 antisense RNA 1; plus strand). Cytogenetic location: 9p24.2.
Variant type: single nucleotide variant.
Coding change: c.2077G>A on transcript NM_001042413.2 (MANE Select); coding-DNA position 2077, G replaced by A.
Protein change: p.Ala693Thr; replaces alanine 693 with threonine.
Molecular consequence: missense variant. On other transcripts: non-coding transcript variant (1).
Genome position (GRCh38, 1-based): chr9:3,898,742, C>T on the plus strand (G>A on the coding strand, the complement: GLIS3 is on the minus strand). VCF-style: chr9-3898742-C-T. GRCh37 (hg19) VCF-style: chr9-3898742-C-T.
Other names: c.1612G>A, p.Ala538Thr (NM_152629.4); short protein forms A693T, A538T.
Identifiers: ClinVar variation 914826 (VCV000914826.8), dbSNP rs568262538, ClinGen allele CA4967964.

ClinVar aggregate classification (germline): Uncertain significance. Review status: criteria provided, multiple submitters, no conflicts (2 of 4 stars). 3 submissions from 3 submitters: Uncertain significance (3). Last evaluated 2026-06-05.

Conditions:
Neonatal diabetes mellitus with congenital hypothyroidism. Also called: NDH SYNDROME. Identifiers: Orphanet 79118, MedGen C1857775, MONDO:0012436, OMIM 610199.
GLIS3-related disorder. Also called: GLIS3-related condition.

Allele frequency attached by ClinVar (database versions not stated): ExAC 0.00002; gnomAD exomes 0.00002 and 0.00008; gnomAD 0.00006; TOPMed 0.00008.
gnomAD v4.1: 125 of 1,614,192 alleles (0.0077%); highest among the groups gnomAD compares: Non-Finnish European, 0.01%; no homozygotes.

Submissions (3):

PreventionGenetics, part of Exact Sciences
Classification: Uncertain significance for GLIS3-related condition. Last evaluated: 2026-06-05. Review status: criteria provided, single submitter. Criteria: ACMG Guidelines, 2015. Collection method: clinical testing. Allele origin: germline.
Comment: The GLIS3 c.2077G>A variant is predicted to result in the amino acid substitution p.Ala693Thr. To our knowledge, this variant has not been reported in the literature. This variant is reported in 0.0054% of alleles in individuals of European (Non-Finnish) descent in gnomAD. At this time, the clinical significance of this variant is uncertain due to the absence of conclusive functional and genetic evidence.

Labcorp Genetics (formerly Invitae), Labcorp
Classification: Uncertain significance. Last evaluated: 2025-10-21. Review status: criteria provided, single submitter. Criteria: Invitae Variant Classification Sherloc (09022015). Collection method: clinical testing. Allele origin: germline.
Comment: This sequence change replaces alanine, which is neutral and non-polar, with threonine, which is neutral and polar, at codon 538 of the GLIS3 protein (p.Ala538Thr). This variant is present in population databases (rs568262538, gnomAD 0.006%). This variant has not been reported in the literature in individuals affected with GLIS3-related conditions. ClinVar contains an entry for this variant (Variation ID: 914826). An algorithm developed to predict the effect of missense changes on protein structure and function outputs the following: PolyPhen-2: "Probably Damaging". The threonine amino acid residue is found in multiple mammalian species, which suggests that this missense change does not adversely affect protein function. In summary, the available evidence is currently insufficient to determine the role of this variant in disease. Therefore, it has been classified as a Variant of Uncertain Significance.

Illumina Laboratory Services, Illumina
Classification: Uncertain significance for Neonatal diabetes mellitus with congenital hypothyroidism. Last evaluated: 2018-01-13. Review status: criteria provided, single submitter. Criteria: ICSL Variant Classification Criteria 13 December 2019. Collection method: clinical testing. Allele origin: germline.